The following is an entry in ClinVar:

ClinVar aggregate classification (germline): Uncertain significance (1 of 4 stars; one submission).

Conditions:
Hereditary cancer-predisposing syndrome. Also called: Neoplastic Syndromes, Hereditary; Hereditary Cancer Syndrome; Tumor predisposition; Hereditary neoplastic syndrome. Identifiers: Orphanet 140162, MedGen C0027672, MeSH D009386, MONDO:0015356.

Allele frequency attached by ClinVar (database versions not stated): gnomAD exomes below 0.00001.
gnomAD v4.1: 1 of 1,614,162 alleles (0.000062%); highest among the groups gnomAD compares: East Asian, 0.0022%; no homozygotes.

Submission:

Ambry Genetics
Classification: Uncertain significance for Hereditary cancer-predisposing syndrome. Last evaluated: 2023-03-10. Review status: criteria provided, single submitter. Criteria: Ambry Variant Classification Scheme 2023. Collection method: clinical testing. Allele origin: germline.
Comment: The c.435C>T variant (also known as p.R145R), located in coding exon 5 of the RAD51D gene, results from a C to T substitution at nucleotide position 435. This nucleotide substitution does not change the arginine at codon 145. This nucleotide position is well conserved in available vertebrate species. In silico splice site analysis for this alteration is inconclusive. Since supporting evidence is limited at this time, the clinical significance of this alteration remains unclear.

NM_002878.4(RAD51D):c.435C>T (p.Arg145=)

Genes: RAD51D (RAD51 paralog D; minus strand), RAD51L3-RFFL (RAD51L3-RFFL readthrough; minus strand). Cytogenetic location: 17q12.
Variant type: single nucleotide variant.
Coding change: c.435C>T on transcript NM_002878.4 (MANE Select); coding-DNA position 435, C replaced by T.
Protein change: p.Arg145=; no amino-acid change (arginine 145 retained).
Molecular consequence: synonymous variant. On other transcripts: non-coding transcript variant (1), intron variant (1).
Genome position (GRCh38, 1-based): chr17:35,107,033, G>A on the plus strand (C>T on the coding strand, the complement: RAD51D is on the minus strand). VCF-style: chr17-35107033-G-A. GRCh37 (hg19) VCF-style: chr17-33434052-G-A.
Other names: c.495C>T, p.Arg165= (NM_001142571.2); c.145-552C>T (NM_133629.3).
Identifiers: ClinVar variation 2448057 (VCV002448057.2), dbSNP rs1326314397, ClinGen allele CA499731691.
Genomic context (GRCh38, chr17:35,107,033, plus strand): 5'-GCATCCTGCCCTTACCTGTTCCTCCTCATCCTGGGTTTTAGCCTGAAGCAGCTGGAGGAG[G>A]CGGGAAGCTGTCAGCCCTCCATTGGAATCTACATATAGGACGTTTTGCTGCAGGCCATGG-3'
Protein context (NP_002869.3, residues 135-155): VDSNGGLTAS[Arg145=]LLQLLQAKTQ